The following is an entry in ClinVar:

ClinVar aggregate classification (germline): Uncertain significance (1 of 4 stars; one submission).

gnomAD v4.1: 2 of 1,613,086 alleles (0.00012%); highest among the groups gnomAD compares: African/African-American, 0.0027%; no homozygotes.

Submission:

Labcorp Genetics (formerly Invitae), Labcorp
Classification: Uncertain significance. Last evaluated: 2025-03-16. Review status: criteria provided, single submitter. Criteria: Invitae Variant Classification Sherloc (09022015). Collection method: clinical testing. Allele origin: germline.
Comment: This sequence change replaces glycine, which is neutral and non-polar, with serine, which is neutral and polar, at codon 320 of the COL10A1 protein (p.Gly320Ser). This variant is present in population databases (no rsID available, gnomAD 0.01%). This variant has not been reported in the literature in individuals affected with COL10A1-related conditions. Invitae Evidence Modeling of protein sequence and biophysical properties (such as structural, functional, and spatial information, amino acid conservation, physicochemical variation, residue mobility, and thermodynamic stability) has been performed for this missense variant. However, the output from this modeling did not meet the statistical confidence thresholds required to predict the impact of this variant on COL10A1 protein function. In summary, the available evidence is currently insufficient to determine the role of this variant in disease. Therefore, it has been classified as a Variant of Uncertain Significance.

NM_000493.4(COL10A1):c.958G>A (p.Gly320Ser)

Genes: COL10A1 (collagen type X alpha 1 chain; minus strand), NT5DC1 (5'-nucleotidase domain containing 1; plus strand). Cytogenetic location: 6q22.1.
Variant type: single nucleotide variant.
Coding change: c.958G>A on transcript NM_000493.4 (MANE Select); coding-DNA position 958, G replaced by A.
Protein change: p.Gly320Ser; replaces glycine 320 with serine.
Molecular consequence: missense variant. On other transcripts: intron variant (1).
Genome position (GRCh38, 1-based): chr6:116,121,158, C>T on the plus strand (G>A on the coding strand, the complement: COL10A1 is on the minus strand). VCF-style: chr6-116121158-C-T. GRCh37 (hg19) VCF-style: chr6-116442321-C-T.
Other names: c.958G>A, p.Gly320Ser (NM_001424106.1, NM_001424107.1); c.529+3213C>T (NM_152729.3); short protein forms G320S.
Identifiers: ClinVar variation 4771919 (VCV004771919.1).